The following is an entry in ClinVar:

ClinVar aggregate classification (germline): Uncertain significance. Review status: criteria provided, multiple submitters, no conflicts (2 of 4 stars). 3 submissions from 3 submitters: Uncertain significance (3). Last evaluated 2026-05-12.

Submissions (3):

Women's Health and Genetics/Laboratory Corporation of America, LabCorp
Classification: Uncertain significance. Last evaluated: 2026-05-12. Review status: criteria provided, single submitter. Criteria: LabCorp Variant Classification Summary - May 2015. Collection method: clinical testing. Allele origin: germline.

Ambry Genetics
Classification: Uncertain significance. Last evaluated: 2025-07-01. Review status: criteria provided, single submitter. Criteria: Ambry Variant Classification Scheme 2023. Collection method: clinical testing. Allele origin: germline.

CeGaT Center for Human Genetics Tuebingen
Classification: Uncertain significance. Last evaluated: 2023-12-01. Review status: criteria provided, single submitter. Criteria: CeGaT Center For Human Genetics Tuebingen Variant Classification Criteria Version 2. Collection method: clinical testing. Allele origin: germline. Affected: yes. Observed: 1 variant allele.
Comment: ANAPC1: PM2

NM_022662.4(ANAPC1):c.3822G>C (p.Leu1274Phe)

Gene: ANAPC1 (anaphase promoting complex subunit 1; minus strand). Cytogenetic location: 2q13.
Variant type: single nucleotide variant.
Coding change: c.3822G>C on transcript NM_022662.4 (MANE Select); coding-DNA position 3822, G replaced by C.
Protein change: p.Leu1274Phe; replaces leucine 1274 with phenylalanine.
Molecular consequence: missense variant.
Genome position (GRCh38, 1-based): chr2:111,808,957, C>G on the plus strand (G>C on the coding strand, the complement: ANAPC1 is on the minus strand). VCF-style: chr2-111808957-C-G. GRCh37 (hg19) VCF-style: chr2-112566534-C-G.
Other names: c.3822G>C (NM_022662.2); short protein forms L1274F.
Identifiers: ClinVar variation 3025570 (VCV003025570.24), dbSNP rs1318689701, ClinGen allele CA348213167.